The following is an entry in ClinVar:

NM_001282874.2(SMARCA1):c.150G>A (p.Thr50=)

Gene: SMARCA1 (SNF2 related chromatin remodeling ATPase 1; minus strand). Cytogenetic location: Xq26.1.
Variant type: single nucleotide variant.
Coding change: c.150G>A on transcript NM_001282874.2 (MANE Select); coding-DNA position 150, G replaced by A.
Protein change: p.Thr50=; no amino-acid change (threonine 50 retained).
Molecular consequence: synonymous variant.
Genome position (GRCh38, 1-based): chrX:129,523,221, C>T on the plus strand (G>A on the coding strand, the complement: SMARCA1 is on the minus strand). VCF-style: chrX-129523221-C-T. GRCh37 (hg19) VCF-style: chrX-128657198-C-T.
Other names: c.150G>A, p.Thr50= (NM_001282875.2, NM_001378261.1, NM_001378262.1 and 3 more transcripts).
Identifiers: ClinVar variation 4980879 (VCV004980879.1).

ClinVar aggregate classification (germline): Likely benign (1 of 4 stars; one submission).

Conditions:
SMARCA1-related disorder. Also called: SMARCA1-related condition.

gnomAD v4.1: 53 of 1,209,791 alleles (0.0044%); highest among the groups gnomAD compares: Non-Finnish European, 0.0055%; no homozygotes.

Submission:

PreventionGenetics, part of Exact Sciences
Classification: Likely benign for SMARCA1-related condition. Last evaluated: 2025-12-31. Review status: criteria provided, single submitter. Criteria: ACMG Guidelines, 2015. Collection method: clinical testing. Allele origin: germline.
Comment: This variant is classified as likely benign based on ACMG/AMP sequence variant interpretation guidelines (Richards et al. 2015 PMID: 25741868, with internal and published modifications).